The following is an entry in ClinVar:

ClinVar aggregate classification (germline): Benign. Review status: criteria provided, single submitter (1 of 4 stars). 2 submissions from 2 submitters: Benign (1). 1 of the submissions does not count toward it. Last evaluated 2019-12-31.

Conditions:
SEMA5A-related disorder. Also called: SEMA5A-related condition.

Allele frequency attached by ClinVar (database versions not stated): ESP Exome Variant Server 0.00015; gnomAD exomes 0.00017 and 0.00077; gnomAD 0.00024 and 0.00028; TOPMed 0.00030; ExAC 0.00066; 1000 Genomes Project 30x 0.00094; 1000 Genomes Project 0.00100.
gnomAD v4.1: 307 of 1,601,212 alleles (0.019%); highest among the groups gnomAD compares: East Asian, 0.56%; no homozygotes.

Submissions (2):

Labcorp Genetics (formerly Invitae), Labcorp
Classification: Benign. Last evaluated: 2019-12-31. Review status: criteria provided, single submitter. Criteria: Invitae Variant Classification Sherloc (09022015). Collection method: clinical testing. Allele origin: germline.

PreventionGenetics, part of Exact Sciences
Classification: Benign for SEMA5A-related condition. Last evaluated: 2019-08-08. Review status: no assertion criteria provided. Collection method: clinical testing. Allele origin: germline. Not counted in ClinVar's aggregate classification.
Comment: This variant is classified as benign based on ACMG/AMP sequence variant interpretation guidelines (Richards et al. 2015 PMID: 25741868, with internal and published modifications).

NM_003966.3(SEMA5A):c.1767C>T (p.Ile589=)

Gene: SEMA5A (semaphorin 5A; minus strand). Cytogenetic location: 5p15.31.
Variant type: single nucleotide variant.
Coding change: c.1767C>T on transcript NM_003966.3 (MANE Select); coding-DNA position 1767, C replaced by T.
Protein change: p.Ile589=; no amino-acid change (isoleucine 589 retained).
Molecular consequence: synonymous variant.
Genome position (GRCh38, 1-based): chr5:9,122,670, G>A on the plus strand (C>T on the coding strand, the complement: SEMA5A is on the minus strand). VCF-style: chr5-9122670-G-A. GRCh37 (hg19) VCF-style: chr5-9122782-G-A.
Identifiers: ClinVar variation 743491 (VCV000743491.6), dbSNP rs142217030, ClinGen allele CA3196658.